The following is an entry in ClinVar:

NM_000059.4(BRCA2):c.7311T>G (p.Ile2437Met)

Gene: BRCA2 (BRCA2 DNA repair associated; plus strand). Cytogenetic location: 13q13.1.
Variant type: single nucleotide variant.
Coding change: c.7311T>G on transcript NM_000059.4 (MANE Select); coding-DNA position 7311, T replaced by G.
Protein change: p.Ile2437Met; replaces isoleucine 2437 with methionine.
Molecular consequence: missense variant.
Genome position (GRCh38, 1-based): chr13:32,355,164, T>G. VCF-style: chr13-32355164-T-G. GRCh37 (hg19) VCF-style: chr13-32929301-T-G.
Other names: short protein forms I2437M.
Identifiers: ClinVar variation 441456 (VCV000441456.15), dbSNP rs1131692103, ClinGen allele CA387741038.

ClinVar aggregate classification (germline): Uncertain significance. Review status: criteria provided, multiple submitters, no conflicts (2 of 4 stars). 2 submissions from 2 submitters: Uncertain significance (2). Last evaluated 2024-01-02.

Conditions:
Hereditary cancer-predisposing syndrome. Also called: Hereditary Cancer Syndrome; Hereditary neoplastic syndrome; Neoplastic Syndromes, Hereditary; Tumor predisposition. Identifiers: Orphanet 140162, MedGen C0027672, MeSH D009386, MONDO:0015356.
Hereditary breast ovarian cancer syndrome. Also called: Hereditary breast and ovarian cancer; Breast and ovarian cancer; Hereditary breast and ovarian cancer syndrome; Hereditary breast and/or ovarian cancer syndrome; BRCA1- and BRCA2-Associated Hereditary Breast and Ovarian Cancer; Hereditary breast and ovarian cancer syndrome (HBOC). Identifiers: Orphanet 145, MedGen C0677776, MeSH D061325, MONDO:0003582. Disease mechanism: loss of function.

Submissions (2):

Labcorp Genetics (formerly Invitae), Labcorp
Classification: Uncertain significance for Hereditary breast ovarian cancer syndrome. Last evaluated: 2024-01-02. Review status: criteria provided, single submitter. Criteria: Invitae Variant Classification Sherloc (09022015). Collection method: clinical testing. Allele origin: germline.
Comment: This sequence change replaces isoleucine, which is neutral and non-polar, with methionine, which is neutral and non-polar, at codon 2437 of the BRCA2 protein (p.Ile2437Met). This variant is not present in population databases (gnomAD no frequency). This missense change has been observed in individual(s) with clinical features of BRCA2-related conditions (PMID: 21520333). ClinVar contains an entry for this variant (Variation ID: 441456). Advanced modeling of protein sequence and biophysical properties (such as structural, functional, and spatial information, amino acid conservation, physicochemical variation, residue mobility, and thermodynamic stability) performed at Invitae indicates that this missense variant is not expected to disrupt BRCA2 protein function with a negative predictive value of 95%. In summary, the available evidence is currently insufficient to determine the role of this variant in disease. Therefore, it has been classified as a Variant of Uncertain Significance.

Ambry Genetics
Classification: Uncertain significance for Hereditary cancer-predisposing syndrome. Last evaluated: 2020-12-01. Review status: criteria provided, single submitter. Criteria: Ambry Variant Classification Scheme 2023. Collection method: clinical testing. Allele origin: germline.
Comment: The p.I2437M variant (also known as c.7311T>G), located in coding exon 13 of the BRCA2 gene, results from a T to G substitution at nucleotide position 7311. The isoleucine at codon 2437 is replaced by methionine, an amino acid with highly similar properties. This amino acid position is not well conserved in available vertebrate species. In addition, this alteration is predicted to be tolerated by in silico analysis. Since supporting evidence is limited at this time, the clinical significance of this alteration remains unclear.

Literature cited by the submitters: PubMed 21520333 (cited by Labcorp Genetics (formerly Invitae), Labcorp).